The following is an entry in ClinVar:

NM_014812.3(CEP170):c.3477C>T (p.Gly1159=)

Gene: CEP170 (centrosomal protein 170; minus strand). Cytogenetic location: 1q43.
Variant type: single nucleotide variant.
Coding change: c.3477C>T on transcript NM_014812.3 (MANE Select); coding-DNA position 3477, C replaced by T.
Protein change: p.Gly1159=; no amino-acid change (glycine 1159 retained).
Molecular consequence: synonymous variant.
Genome position (GRCh38, 1-based): chr1:243,164,483, G>A on the plus strand (C>T on the coding strand, the complement: CEP170 is on the minus strand). VCF-style: chr1-243164483-G-A. GRCh37 (hg19) VCF-style: chr1-243327785-G-A.
Other names: c.3183C>T, p.Gly1061= (NM_001042404.2, NM_001042405.2).
Identifiers: ClinVar variation 2640212 (VCV002640212.24), dbSNP rs201167561, ClinGen allele CA1482485.

ClinVar aggregate classification (germline): Likely benign (1 of 4 stars; one submission).

Allele frequency attached by ClinVar (database versions not stated): 1000 Genomes Project 0.00120; 1000 Genomes Project 30x 0.00172; ESP Exome Variant Server 0.00257; gnomAD 0.00283; TOPMed 0.00312; ExAC 0.00360; gnomAD exomes 0.00417.
gnomAD v4.1: 6,555 of 1,607,098 alleles (0.41%); highest among the groups gnomAD compares: Non-Finnish European, 0.47%; 6 homozygotes.

Submission:

CeGaT Center for Human Genetics Tuebingen
Classification: Likely benign. Last evaluated: 2022-07-01. Review status: criteria provided, single submitter. Criteria: CeGaT Center For Human Genetics Tuebingen Variant Classification Criteria Version 2. Collection method: clinical testing. Allele origin: germline. Affected: yes. Observed: 1 variant allele.
Comment: CEP170: BP4, BP7